The following is an entry in ClinVar:

NM_015205.3(ATP11A):c.252+1G>C

Gene: ATP11A (ATPase phospholipid transporting 11A; plus strand). Cytogenetic location: 13q34.
Variant type: single nucleotide variant.
Coding change: c.252+1G>C on transcript NM_015205.3 (MANE Select); the canonical splice donor site of the intron after coding-DNA position 252, G replaced by C.
Molecular consequence: splice donor variant.
Genome position (GRCh38, 1-based): chr13:112,805,047, G>C. VCF-style: chr13-112805047-G-C. GRCh37 (hg19) VCF-style: chr13-113459361-G-C.
Other names: c.252+1G>C (NM_001405663.1, NM_001405661.1, NM_032189.4 and 1 more transcripts).
Identifiers: ClinVar variation 4995568 (VCV004995568.1).
Genomic context (GRCh38, chr13:112,805,047, plus strand): 5'-TTATTTGAACAATTCAGAAGAGTAGCCAACTTTTATTTCCTTATCATATTTCTGGTGCAG[G>C]TAAGGCCGGTCATTGTTTTCCATCTCATCACATATAAATCTAAATAAGTGACATTTTATT-3'

ClinVar aggregate classification (germline): Uncertain significance (1 of 4 stars; one submission).

Conditions:
ATP11A-related disorder. Also called: ATP11A-related condition.

Submission:

PreventionGenetics, part of Exact Sciences
Classification: Uncertain significance for ATP11A-related condition. Last evaluated: 2026-03-23. Review status: criteria provided, single submitter. Criteria: ACMG Guidelines, 2015. Collection method: clinical testing. Allele origin: germline.
Comment: The ATP11A c.252+1G>C variant is predicted to disrupt the GT donor site and interfere with normal splicing. To our knowledge, this variant has not been reported in the literature or in a large population database (gnomAD), indicating this variant is rare. At this time, the clinical significance of this variant is uncertain due to the absence of conclusive functional and genetic evidence.